The following is an entry in ClinVar:

NM_000038.6(APC):c.3206G>T (p.Arg1069Met)

Gene: APC (APC regulator of Wnt signaling pathway; plus strand). Cytogenetic location: 5q22.2.
Variant type: single nucleotide variant.
Coding change: c.3206G>T on transcript NM_000038.6 (MANE Select); coding-DNA position 3206, G replaced by T.
Protein change: p.Arg1069Met; replaces arginine 1069 with methionine.
Molecular consequence: missense variant.
Genome position (GRCh38, 1-based): chr5:112,838,800, G>T. VCF-style: chr5-112838800-G-T. GRCh37 (hg19) VCF-style: chr5-112174497-G-T.
Other names: c.3206G>T, p.Arg1069Met (NM_001127510.3, NM_001354895.2); c.3152G>T, p.Arg1051Met (NM_001127511.3); c.3260G>T, p.Arg1087Met (NM_001354896.2); c.3236G>T, p.Arg1079Met (NM_001354897.2); c.3131G>T, p.Arg1044Met (NM_001354898.2); c.3122G>T, p.Arg1041Met (NM_001354899.2); c.3083G>T, p.Arg1028Met (NM_001354900.2); c.3029G>T, p.Arg1010Met (NM_001354901.2); and 6 more; short protein forms R1010M, R1028M, R786M, R1069M, R968M, R1044M, R1051M, R1087M.
Identifiers: ClinVar variation 1485666 (VCV001485666.9), dbSNP rs2149886840, ClinGen allele CA16028366.

ClinVar aggregate classification (germline): Uncertain significance. Review status: criteria provided, multiple submitters, no conflicts (2 of 4 stars). 2 submissions from 2 submitters: Uncertain significance (2). Last evaluated 2026-02-20.

Conditions:
Familial adenomatous polyposis 1 (FAP1). Also called: POLYPOSIS, ADENOMATOUS INTESTINAL; FAMILIAL ADENOMATOUS POLYPOSIS 1, ATTENUATED. Identifiers: MedGen C2713442, MONDO:0021056, OMIM 175100. Disease mechanism: loss of function.
Hereditary cancer-predisposing syndrome. Also called: Neoplastic Syndromes, Hereditary; Tumor predisposition; Hereditary Cancer Syndrome; Hereditary neoplastic syndrome. Identifiers: Orphanet 140162, MedGen C0027672, MeSH D009386, MONDO:0015356.

gnomAD v4.1: 1 of 1,614,100 alleles (0.000062%); highest among the groups gnomAD compares: Non-Finnish European, 0.000085%; no homozygotes.

Submissions (2):

Ambry Genetics
Classification: Uncertain significance for Hereditary cancer-predisposing syndrome. Last evaluated: 2026-02-20. Review status: criteria provided, single submitter. Criteria: Ambry Variant Classification Scheme 2023. Collection method: clinical testing. Allele origin: germline.
Comment: The p.R1069M variant (also known as c.3206G>T), located in coding exon 15 of the APC gene, results from a G to T substitution at nucleotide position 3206. The arginine at codon 1069 is replaced by methionine, an amino acid with similar properties. This amino acid position is conserved. In addition, in silico predictors for this gene do not accurately predict pathogenicity. Based on the available evidence, the clinical significance of this variant remains unclear.

Labcorp Genetics (formerly Invitae), Labcorp
Classification: Uncertain significance for Familial adenomatous polyposis 1. Last evaluated: 2024-02-09. Review status: criteria provided, single submitter. Criteria: Invitae Variant Classification Sherloc (09022015). Collection method: clinical testing. Allele origin: germline.
Comment: This sequence change replaces arginine, which is basic and polar, with methionine, which is neutral and non-polar, at codon 1069 of the APC protein (p.Arg1069Met). This variant is not present in population databases (gnomAD no frequency). This variant has not been reported in the literature in individuals affected with APC-related conditions. ClinVar contains an entry for this variant (Variation ID: 1485666). Advanced modeling of protein sequence and biophysical properties (such as structural, functional, and spatial information, amino acid conservation, physicochemical variation, residue mobility, and thermodynamic stability) performed at Invitae indicates that this missense variant is not expected to disrupt APC protein function with a negative predictive value of 95%. In summary, the available evidence is currently insufficient to determine the role of this variant in disease. Therefore, it has been classified as a Variant of Uncertain Significance.